The following is an entry in ClinVar:

ClinVar aggregate classification (germline): Uncertain significance. Review status: criteria provided, multiple submitters, no conflicts (2 of 4 stars). 3 submissions from 3 submitters: Uncertain significance (3). Last evaluated 2026-01-11.

Conditions:
Chuvash polycythemia. Also called: POLYCYTHEMIA, VHL-DEPENDENT. Identifiers: Orphanet 238557, MedGen C1837915, MONDO:0009892, OMIM 263400.
Von Hippel-Lindau syndrome (VHLS). Also called: Von Hippel-Lindau; von Hippel–Lindau syndrome; VHL syndrome. Identifiers: Orphanet 892, MedGen C0019562, MONDO:0008667, OMIM 193300. Disease mechanism: loss of function.
Hereditary cancer-predisposing syndrome. Also called: Hereditary Cancer Syndrome; Tumor predisposition; Hereditary neoplastic syndrome; Neoplastic Syndromes, Hereditary. Identifiers: Orphanet 140162, MedGen C0027672, MeSH D009386, MONDO:0015356.

Submissions (3):

Labcorp Genetics (formerly Invitae), Labcorp
Classification: Uncertain significance for Von Hippel-Lindau syndrome; Chuvash polycythemia. Last evaluated: 2026-01-11. Review status: criteria provided, single submitter. Criteria: Invitae Variant Classification Sherloc (09022015). Collection method: clinical testing. Allele origin: germline.
Comment: This sequence change replaces glutamic acid, which is acidic and polar, with glycine, which is neutral and non-polar, at codon 12 of the VHL protein (p.Glu12Gly). This variant is not present in population databases (gnomAD no frequency). This variant has not been reported in the literature in individuals affected with VHL-related conditions. ClinVar contains an entry for this variant (Variation ID: 1055853). Invitae Evidence Modeling of protein sequence and biophysical properties (such as structural, functional, and spatial information, amino acid conservation, physicochemical variation, residue mobility, and thermodynamic stability) indicates that this missense variant is not expected to disrupt VHL protein function with a negative predictive value of 95%. In summary, the available evidence is currently insufficient to determine the role of this variant in disease. Therefore, it has been classified as a Variant of Uncertain Significance.

Ambry Genetics
Classification: Uncertain significance for Hereditary cancer-predisposing syndrome. Last evaluated: 2024-11-26. Review status: criteria provided, single submitter. Criteria: Ambry Variant Classification Scheme 2023. Collection method: clinical testing. Allele origin: germline.
Comment: The p.E12G variant (also known as c.35A>G), located in coding exon 1 of the VHL gene, results from an A to G substitution at nucleotide position 35. The glutamic acid at codon 12 is replaced by glycine, an amino acid with similar properties. This amino acid position is well conserved in available vertebrate species. In addition, this alteration is predicted to be tolerated by in silico analysis. Based on the available evidence, the clinical significance of this variant remains unclear.

GeneDx
Classification: Uncertain significance. Last evaluated: 2024-08-07. Review status: criteria provided, single submitter. Criteria: GeneDx Variant Classification Process June 2021. Collection method: clinical testing. Allele origin: germline. Affected: yes.
Comment: Not observed at significant frequency in large population cohorts (gnomAD); In silico analysis indicates that this missense variant does not alter protein structure/function; Has not been previously published as pathogenic or benign to our knowledge

NM_000551.4(VHL):c.35A>G (p.Glu12Gly)

Gene: VHL (von Hippel-Lindau tumor suppressor; plus strand). Cytogenetic location: 3p25.3.
Variant type: single nucleotide variant.
Coding change: c.35A>G on transcript NM_000551.4 (MANE Select); coding-DNA position 35, A replaced by G.
Protein change: p.Glu12Gly; replaces glutamic acid 12 with glycine.
Molecular consequence: missense variant.
Genome position (GRCh38, 1-based): chr3:10,141,882, A>G. VCF-style: chr3-10141882-A-G. GRCh37 (hg19) VCF-style: chr3-10183566-A-G.
Other names: c.35A>G, p.Glu12Gly (NM_001354723.2, NM_198156.3); c.35A>G (NM_000551.3); short protein forms E12G.
Identifiers: ClinVar variation 1055853 (VCV001055853.11), dbSNP rs1380706798, ClinGen allele CA351747137.